The following is an entry in ClinVar:

ClinVar aggregate classification (germline): Uncertain significance (0 of 4 stars; one submission).

Conditions:
Breast ductal adenocarcinoma. Also called: Ductal breast carcinoma; Breast cancer, invasive ductal. Identifiers: MedGen C1527349, MONDO:0005590.

Submission:

Next Generation Diagnostics, Novartis Institutes for BioMedical Research, Inc.
Classification: Uncertain significance for Breast ductal adenocarcinoma. Last evaluated: 2015-07-20. Review status: no assertion criteria provided. Collection method: research. Allele origin: somatic. Affected: yes.
Comment: Loss of heterozygosity

Single allele

Gene: DSPP (dentin sialophosphoprotein; plus strand). Cytogenetic location: 4q22.1.
Variant type: Complex.
Identifiers: ClinVar variation 221337 (VCV000221337.2).